The following is an entry in ClinVar:

NM_020975.6(RET):c.2093A>C (p.Asp698Ala)

Gene: RET (ret proto-oncogene; plus strand). Cytogenetic location: 10q11.21.
Variant type: single nucleotide variant.
Coding change: c.2093A>C on transcript NM_020975.6 (MANE Select); coding-DNA position 2093, A replaced by C.
Protein change: p.Asp698Ala; replaces aspartic acid 698 with alanine.
Molecular consequence: missense variant.
Genome position (GRCh38, 1-based): chr10:43,114,693, A>C. VCF-style: chr10-43114693-A-C. GRCh37 (hg19) VCF-style: chr10-43610141-A-C.
Other names: c.1958A>C, p.Asp653Ala (NM_001406763.1, NM_001406765.1); c.1964A>C, p.Asp655Ala (NM_001406764.1, NM_001406761.1, NM_001406762.1); c.1805A>C, p.Asp602Ala (NM_001406766.1, NM_001406767.1, NM_001406770.1); c.1829A>C, p.Asp610Ala (NM_001406768.1); c.1697A>C, p.Asp566Ala (NM_001406769.1, NM_001406772.1); c.1655A>C, p.Asp552Ala (NM_001406771.1, NM_001406773.1); c.1196A>C, p.Asp399Ala (NM_001406782.1, NM_001406779.1, NM_001406780.1 and 1 more transcripts); c.1067A>C, p.Asp356Ala (NM_001406783.1, NM_001406786.1); and 10 more; short protein forms D523A, D602A, D610A, D354A, D359A, D456A, D566A, D655A.
Identifiers: ClinVar variation 3666029 (VCV003666029.2).

ClinVar aggregate classification (germline): Uncertain significance (1 of 4 stars; one submission).

Conditions:
Multiple endocrine neoplasia, type 2 (MEN2). Identifiers: Orphanet 653, MedGen C4048306, MONDO:0019003. Disease mechanism: gain of function.

Submission:

Labcorp Genetics (formerly Invitae), Labcorp
Classification: Uncertain significance for Multiple endocrine neoplasia, type 2. Last evaluated: 2024-08-04. Review status: criteria provided, single submitter. Criteria: Invitae Variant Classification Sherloc (09022015). Collection method: clinical testing. Allele origin: germline.
Comment: This sequence change replaces aspartic acid, which is acidic and polar, with alanine, which is neutral and non-polar, at codon 698 of the RET protein (p.Asp698Ala). This variant is not present in population databases (gnomAD no frequency). This variant has not been reported in the literature in individuals affected with RET-related conditions. An algorithm developed to predict the effect of missense changes on protein structure and function (PolyPhen-2) suggests that this variant is likely to be tolerated. In summary, the available evidence is currently insufficient to determine the role of this variant in disease. Therefore, it has been classified as a Variant of Uncertain Significance.